The following is an entry in ClinVar:

NM_025215.6(PUS1):c.130del (p.Gln44fs)

Genes: PUS1 (pseudouridine synthase 1; plus strand), LOC130009240 (ATAC-STARR-seq lymphoblastoid silent region 5107; plus strand). Cytogenetic location: 12q24.33.
Variant type: Deletion.
Coding change: c.130del on transcript NM_025215.6 (MANE Select); coding-DNA position 130, one base deleted (C; older notation c.130delC).
Protein change: p.Gln44fs; shifts the reading frame from glutamine 44.
Molecular consequence: frameshift variant.
Genome position (GRCh38, 1-based): chr12:131,929,962, C deleted; the last of 5 consecutive C bases (chr12:131,929,958-131,929,962); deleting any one gives the same sequence. VCF-style (leftmost placement, unchanged base first): chr12-131929957-GC-G. GRCh37 (hg19) VCF-style: chr12-132414502-GC-G.
Other names: c.46del, p.Gln16fs (NM_001002019.3, NM_001002020.3); short protein forms Q16fs, Q44fs.
Identifiers: ClinVar variation 4816250 (VCV004816250.1).

ClinVar aggregate classification (germline): Likely pathogenic (1 of 4 stars; one submission).

Conditions:
Myopathy, lactic acidosis, and sideroblastic anemia. Also called: Mitochondrial myopathy and sideroblastic anemia; Myopathy with lactic acidosis and sideroblastic anemia. Identifiers: Orphanet 2598, MedGen C1838103, MONDO:0000863.

Submission:

Natera, Inc.
Classification: Likely pathogenic for Mitochondrial myopathy and sideroblastic anemia. Last evaluated: 2024-10-06. Review status: criteria provided, single submitter. Criteria: Natera Variant Classification Schema (03/2026). Collection method: clinical testing. Allele origin: germline.
Comment: The c.130del variant in PUS1 is a frameshift variant predicted to shift the reading frame beginning at codon 44 and leads to a stop codon 91 codons downstream. This variant is expected to result in nonsense mediated decay, truncation, or a dysfunctional protein product. This variant is rare in the general population with a frequency below the threshold expected for the associated phenotype(s). Given the available evidence, this variant is classified as Likely Pathogenic.